The following is an entry in ClinVar:

NM_000213.5(ITGB4):c.1514G>A (p.Arg505Gln)

Gene: ITGB4 (integrin subunit beta 4; plus strand). Cytogenetic location: 17q25.1.
Variant type: single nucleotide variant.
Coding change: c.1514G>A on transcript NM_000213.5 (MANE Select); coding-DNA position 1514, G replaced by A.
Protein change: p.Arg505Gln; replaces arginine 505 with glutamine.
Molecular consequence: missense variant.
Genome position (GRCh38, 1-based): chr17:75,733,549, G>A. VCF-style: chr17-75733549-G-A. GRCh37 (hg19) VCF-style: chr17-73729630-G-A.
Other names: c.1514G>A, p.Arg505Gln (NM_001005619.2, NM_001005731.3, NM_001321123.2); short protein forms R505Q.
Identifiers: ClinVar variation 1984306 (VCV001984306.1), dbSNP rs151163670, ClinGen allele CA8769044.

ClinVar aggregate classification (germline): Uncertain significance (1 of 4 stars; one submission).

Allele frequency attached by ClinVar (database versions not stated): gnomAD 0.00001; TOPMed 0.00005; ESP Exome Variant Server 0.00023.
gnomAD v4.1: 18 of 1,613,810 alleles (0.0011%); highest among the groups gnomAD compares: South Asian, 0.0055%; no homozygotes.

Submission:

Labcorp Genetics (formerly Invitae), Labcorp
Classification: Uncertain significance. Last evaluated: 2021-12-15. Review status: criteria provided, single submitter. Criteria: Invitae Variant Classification Sherloc (09022015). Collection method: clinical testing. Allele origin: germline.
Comment: This sequence change replaces arginine, which is basic and polar, with glutamine, which is neutral and polar, at codon 505 of the ITGB4 protein (p.Arg505Gln). This variant is present in population databases (rs151163670, gnomAD 0.005%). This variant has not been reported in the literature in individuals affected with ITGB4-related conditions. Algorithms developed to predict the effect of missense changes on protein structure and function output the following: SIFT: "Not Available"; PolyPhen-2: "Benign"; Align-GVGD: "Not Available". The glutamine amino acid residue is found in multiple mammalian species, which suggests that this missense change does not adversely affect protein function. In summary, the available evidence is currently insufficient to determine the role of this variant in disease. Therefore, it has been classified as a Variant of Uncertain Significance.